The following is an entry in ClinVar:

ClinVar aggregate classification (germline): Uncertain significance (1 of 4 stars; one submission).

Conditions:
Primary ciliary dyskinesia. Also called: Ciliary dyskinesia. Identifiers: Orphanet 244, MedGen C0008780, MONDO:0016575, HP:0012265.

gnomAD v4.1: 2 of 1,603,966 alleles (0.00012%); highest among the groups gnomAD compares: South Asian, 0.0022%; no homozygotes.

Submission:

Labcorp Genetics (formerly Invitae), Labcorp
Classification: Uncertain significance for Primary ciliary dyskinesia. Last evaluated: 2022-04-26. Review status: criteria provided, single submitter. Criteria: Invitae Variant Classification Sherloc (09022015). Collection method: clinical testing. Allele origin: germline.
Comment: Algorithms developed to predict the effect of missense changes on protein structure and function are either unavailable or do not agree on the potential impact of this missense change (SIFT: "Tolerated"; PolyPhen-2: "Probably Damaging"; Align-GVGD: "Class C0"). This sequence change replaces alanine, which is neutral and non-polar, with valine, which is neutral and non-polar, at codon 198 of the DNAAF2 protein (p.Ala198Val). This variant is present in population databases (no rsID available, gnomAD 0.003%). This variant has not been reported in the literature in individuals affected with DNAAF2-related conditions. In summary, the available evidence is currently insufficient to determine the role of this variant in disease. Therefore, it has been classified as a Variant of Uncertain Significance.

NM_018139.3(DNAAF2):c.593C>T (p.Ala198Val)

Gene: DNAAF2 (dynein axonemal assembly factor 2; minus strand). Cytogenetic location: 14q21.3.
Variant type: single nucleotide variant.
Coding change: c.593C>T on transcript NM_018139.3 (MANE Select); coding-DNA position 593, C replaced by T.
Protein change: p.Ala198Val; replaces alanine 198 with valine.
Molecular consequence: missense variant.
Genome position (GRCh38, 1-based): chr14:49,634,557, G>A on the plus strand (C>T on the coding strand, the complement: DNAAF2 is on the minus strand). VCF-style: chr14-49634557-G-A. GRCh37 (hg19) VCF-style: chr14-50101275-G-A.
Other names: c.593C>T, p.Ala198Val (NM_001083908.2); short protein forms A198V.
Identifiers: ClinVar variation 1943875 (VCV001943875.5), dbSNP rs1265820367, ClinGen allele CA389631485.